The following is an entry in ClinVar:

ClinVar aggregate classification (germline): Likely pathogenic (1 of 4 stars; one submission).

Conditions:
Autosomal recessive limb-girdle muscular dystrophy type 2J (LGMDR10). Also called: Limb-girdle muscular dystrophy, type 2J; MUSCULAR DYSTROPHY, LIMB-GIRDLE, AUTOSOMAL RECESSIVE 10. Identifiers: Orphanet 140922, MedGen C1837342, MONDO:0012127, OMIM 608807.
Dilated cardiomyopathy 1G (CMD1G). Identifiers: Orphanet 154, MedGen C1858763, MONDO:0011400, OMIM 604145.

Submission:

Labcorp Genetics (formerly Invitae), Labcorp
Classification: Likely pathogenic for Dilated cardiomyopathy 1G; Autosomal recessive limb-girdle muscular dystrophy type 2J. Last evaluated: 2025-07-06. Review status: criteria provided, single submitter. Criteria: Invitae Variant Classification Sherloc (09022015). Collection method: clinical testing. Allele origin: germline.
Comment: This sequence change affects a donor splice site in intron 250 of the TTN gene. It is expected to disrupt RNA splicing and likely results in a truncated or disrupted TTN protein. This variant is not present in population databases (gnomAD no frequency). This variant has not been reported in the literature in individuals affected with TTN-related conditions. Algorithms developed to predict the effect of sequence changes on RNA splicing suggest that this variant may disrupt the consensus splice site. This variant is located in the I band of TTN (PMID: 25589632). Truncating variants in this region have been reported in individuals affected with autosomal recessive centronuclear myopathy (PMID: 23975875, internal data). Truncating variants in this region have also been identified in individuals affected with autosomal dominant dilated cardiomyopathy and/or cardio-related conditions (PMID: 27869827, 32964742, internal data). In summary, the currently available evidence indicates that the variant is pathogenic, but additional data are needed to prove that conclusively. Therefore, this variant has been classified as Likely Pathogenic.

Literature cited by the submitters: PubMed 25589632; PubMed 23975875; PubMed 27869827; PubMed 32964742.

NM_001267550.2(TTN):c.46696+1G>C

Genes: TTN-AS1 (TTN antisense RNA 1; plus strand), TTN (titin; minus strand). Cytogenetic location: 2q31.2.
Variant type: single nucleotide variant.
Coding change: c.46696+1G>C on transcript NM_001267550.2 (MANE Select); the canonical splice donor site of the intron after coding-DNA position 46696, G replaced by C.
Molecular consequence: splice donor variant.
Genome position (GRCh38, 1-based): chr2:178,619,620, C>G on the plus strand (G>C on the coding strand, the complement: TTN is on the minus strand). VCF-style: chr2-178619620-C-G. GRCh37 (hg19) VCF-style: chr2-179484347-C-G.
Other names: c.19501+1G>C (NM_003319.4); c.20077+1G>C (NM_133437.4); c.19876+1G>C (NM_133432.3); c.38992+1G>C (NM_133378.4); c.41773+1G>C (NM_001256850.1).
Identifiers: ClinVar variation 4785492 (VCV004785492.1).